The following is an entry in ClinVar:

ClinVar aggregate classification (germline): Uncertain significance. Review status: criteria provided, multiple submitters, no conflicts (2 of 4 stars). 4 submissions from 4 submitters: Uncertain significance (4). Last evaluated 2024-10-29.

Conditions:
Inborn genetic diseases. Identifiers: MedGen C0950123, MeSH D030342.

Allele frequency attached by ClinVar (database versions not stated): ExAC 0.00001; gnomAD exomes 0.00001; TOPMed 0.00001; gnomAD 0.00002 and 0.00006; 1000 Genomes Project 0.00020; 1000 Genomes Project 30x 0.00031.
gnomAD v4.1: 22 of 1,604,500 alleles (0.0014%); highest among the groups gnomAD compares: East Asian, 0.011%; no homozygotes.

Submissions (4):

Labcorp Genetics (formerly Invitae), Labcorp
Classification: Uncertain significance. Last evaluated: 2024-10-29. Review status: criteria provided, single submitter. Criteria: Invitae Variant Classification Sherloc (09022015). Collection method: clinical testing. Allele origin: germline.
Comment: This sequence change replaces glutamic acid, which is acidic and polar, with lysine, which is basic and polar, at codon 1609 of the CDH23 protein (p.Glu1609Lys). The frequency data for this variant in the population databases is considered unreliable, as metrics indicate poor data quality at this position in the gnomAD database. This variant has not been reported in the literature in individuals affected with CDH23-related conditions. ClinVar contains an entry for this variant (Variation ID: 1307606). Invitae Evidence Modeling of protein sequence and biophysical properties (such as structural, functional, and spatial information, amino acid conservation, physicochemical variation, residue mobility, and thermodynamic stability) has been performed for this missense variant. However, the output from this modeling did not meet the statistical confidence thresholds required to predict the impact of this variant on CDH23 protein function. In summary, the available evidence is currently insufficient to determine the role of this variant in disease. Therefore, it has been classified as a Variant of Uncertain Significance.

Blueprint Genetics
Classification: Uncertain significance. Last evaluated: 2024-01-04. Review status: criteria provided, single submitter. Criteria: ACMG Guidelines, 2015. Collection method: clinical testing. Allele origin: germline.

Ambry Genetics
Classification: Uncertain significance for Inborn genetic diseases. Last evaluated: 2023-02-22. Review status: criteria provided, single submitter. Criteria: Ambry Variant Classification Scheme 2023. Collection method: clinical testing. Allele origin: germline.

GeneDx
Classification: Uncertain significance. Last evaluated: 2019-09-12. Review status: criteria provided, single submitter. Criteria: GeneDx Variant Classification Process June 2021. Collection method: clinical testing. Allele origin: germline. Affected: yes.
Comment: Not observed at a significant frequency in large population cohorts (Lek et al., 2016); In silico analysis, which includes protein predictors and evolutionary conservation, supports that this variant does not alter protein structure/function; Has not been previously published as pathogenic or benign to our knowledge

NM_022124.6(CDH23):c.4825G>A (p.Glu1609Lys)

Gene: CDH23 (cadherin related 23; plus strand). Cytogenetic location: 10q22.1.
Variant type: single nucleotide variant.
Coding change: c.4825G>A on transcript NM_022124.6 (MANE Select); coding-DNA position 4825, G replaced by A.
Protein change: p.Glu1609Lys; replaces glutamic acid 1609 with lysine.
Molecular consequence: missense variant.
Genome position (GRCh38, 1-based): chr10:71,741,901, G>A. VCF-style: chr10-71741901-G-A. GRCh37 (hg19) VCF-style: chr10-73501658-G-A.
Other names: short protein forms E1609K.
Identifiers: ClinVar variation 1307606 (VCV001307606.7), dbSNP rs563582184, ClinGen allele CA5545159.
Genomic context (GRCh38, chr10:71,741,901, plus strand): 5'-CCTGCCCCGCCTGACCGCGAGCGCCAGAGCTTCTACCACCTGGTGGCCACTGTGGAGGAC[G>A]AGGGCACCCCAACCCTGTCGGTGAGCGATGGGGGTGGCCACAGGGAGGAGCGGGTGGGCC-3'
Protein context (NP_071407.4, residues 1599-1619): FYHLVATVED[Glu1609Lys]GTPTLSATTH